The following is an entry in ClinVar:

ClinVar aggregate classification (germline): Uncertain significance (1 of 4 stars; one submission).

Submission:

Labcorp Genetics (formerly Invitae), Labcorp
Classification: Uncertain significance. Last evaluated: 2020-12-29. Review status: criteria provided, single submitter. Criteria: Invitae Variant Classification Sherloc (09022015). Collection method: clinical testing. Allele origin: germline.
Comment: In summary, the available evidence is currently insufficient to determine the role of this variant in disease. Therefore, it has been classified as a Variant of Uncertain Significance. Algorithms developed to predict the effect of missense changes on protein structure and function are either unavailable or do not agree on the potential impact of this missense change (SIFT: "Tolerated"; PolyPhen-2: "Possibly Damaging"; Align-GVGD: "Class C15"). This variant has not been reported in the literature in individuals with POLE-related conditions. This variant is not present in population databases (ExAC no frequency). This sequence change replaces proline with serine at codon 1432 of the POLE protein (p.Pro1432Ser). The proline residue is highly conserved and there is a moderate physicochemical difference between proline and serine.

NM_006231.4(POLE):c.4294C>T (p.Pro1432Ser)

Gene: POLE (DNA polymerase epsilon, catalytic subunit; minus strand). Cytogenetic location: 12q24.33.
Variant type: single nucleotide variant.
Coding change: c.4294C>T on transcript NM_006231.4 (MANE Select); coding-DNA position 4294, C replaced by T.
Protein change: p.Pro1432Ser; replaces proline 1432 with serine.
Molecular consequence: missense variant.
Genome position (GRCh38, 1-based): chr12:132,643,557, G>A on the plus strand (C>T on the coding strand, the complement: POLE is on the minus strand). VCF-style: chr12-132643557-G-A. GRCh37 (hg19) VCF-style: chr12-133220143-G-A.
Other names: short protein forms P1432S.
Identifiers: ClinVar variation 1400972 (VCV001400972.8), dbSNP rs2042205627, ClinGen allele CA387381611.